The following is an entry in ClinVar:

ClinVar aggregate classification (germline): Uncertain significance (1 of 4 stars; one submission).

Conditions:
Epidermodysplasia verruciformis. Identifiers: Orphanet 302, MedGen C0014522, MONDO:0009176.

gnomAD v4.1: 1 of 1,585,358 alleles (0.000063%); no homozygotes.

Submission:

Labcorp Genetics (formerly Invitae), Labcorp
Classification: Uncertain significance for Epidermodysplasia verruciformis. Last evaluated: 2022-04-29. Review status: criteria provided, single submitter. Criteria: Invitae Variant Classification Sherloc (09022015). Collection method: clinical testing. Allele origin: germline.
Comment: This variant is not present in population databases (gnomAD no frequency). This sequence change replaces arginine, which is basic and polar, with histidine, which is basic and polar, at codon 716 of the TMC8 protein (p.Arg716His). This variant has not been reported in the literature in individuals affected with TMC8-related conditions. In summary, the available evidence is currently insufficient to determine the role of this variant in disease. Therefore, it has been classified as a Variant of Uncertain Significance. Algorithms developed to predict the effect of missense changes on protein structure and function output the following: SIFT: "Tolerated"; PolyPhen-2: "Benign"; Align-GVGD: "Class C0". The histidine amino acid residue is found in multiple mammalian species, which suggests that this missense change does not adversely affect protein function.

NM_152468.5(TMC8):c.2147G>A (p.Arg716His)

Gene: TMC8 (transmembrane channel like 8; plus strand). Cytogenetic location: 17q25.3.
Variant type: single nucleotide variant.
Coding change: c.2147G>A on transcript NM_152468.5 (MANE Select); coding-DNA position 2147, G replaced by A.
Protein change: p.Arg716His; replaces arginine 716 with histidine.
Molecular consequence: missense variant.
Genome position (GRCh38, 1-based): chr17:78,141,078, G>A. VCF-style: chr17-78141078-G-A. GRCh37 (hg19) VCF-style: chr17-76137159-G-A.
Other names: short protein forms R716H.
Identifiers: ClinVar variation 2131653 (VCV002131653.4), dbSNP rs2075364589, ClinGen allele CA401254866.